The following is an entry in ClinVar:

ClinVar aggregate classification (germline): Likely benign. Review status: criteria provided, multiple submitters, no conflicts (2 of 4 stars). 2 submissions from 2 submitters: Likely benign (2). Last evaluated 2026-06-08.

Conditions:
Tumor predisposition syndrome 2 (TPDS2). Also called: MBD4-ASSOCIATED NEOPLASIA SYNDROME; MBD4-Related Tumor Predisposition Syndrome; MBD4-associated neoplasia syndrome (MANS). Identifiers: Orphanet 661526, MedGen C5774186, MONDO:0859267, OMIM 619975.

Submissions (2):

Myriad Genetics, Inc.
Classification: Likely benign for Tumor predisposition syndrome 2. Last evaluated: 2026-06-08. Review status: criteria provided, single submitter. Criteria: Myriad Autosomal Dominant, Autosomal Recessive and X-Linked Classification Criteria (2023). Collection method: clinical testing. Allele origin: unknown.
Comment: This variant is considered likely benign. This variant is intronic and is not expected to impact mRNA splicing.

Labcorp Genetics (formerly Invitae), Labcorp
Classification: Likely benign. Last evaluated: 2026-01-06. Review status: criteria provided, single submitter. Criteria: Invitae Variant Classification Sherloc (09022015). Collection method: clinical testing. Allele origin: germline.

NM_001276270.2(MBD4):c.105-15A>T

Gene: MBD4 (methyl-CpG binding domain 4, DNA glycosylase; minus strand). Cytogenetic location: 3q21.3.
Variant type: single nucleotide variant.
Coding change: c.105-15A>T on transcript NM_001276270.2 (MANE Select); 15 bases into the intron before coding-DNA position 105, A replaced by T.
Molecular consequence: intron variant.
Genome position (GRCh38, 1-based): chr3:129,437,965, T>A on the plus strand (A>T on the coding strand, the complement: MBD4 is on the minus strand). VCF-style: chr3-129437965-T-A. GRCh37 (hg19) VCF-style: chr3-129156808-T-A.
Other names: c.105-15A>T (NM_001276273.2, NM_001276272.2, NM_003925.3 and 1 more transcripts).
Identifiers: ClinVar variation 2877668 (VCV002877668.4), dbSNP rs745532780, ClinGen allele CA2605606.
Genomic context (GRCh38, chr3:129,437,965, plus strand): 5'-CTCATCTTCTCCCACTCTTTCCAATTCCATAGCAACATCTTCTTTGCTGGAAAAACAAAG[T>A]CTAAGTGATTAACTTATTTAAAATTTATCTTCCACTGCCTACTCAGTTTTAATCCATGAC-3'